The following is an entry in ClinVar:

ClinVar aggregate classification (germline): Pathogenic/Likely pathogenic. Review status: criteria provided, multiple submitters, no conflicts (2 of 4 stars). 4 submissions from 4 submitters: Pathogenic (2); Likely pathogenic (1). 1 of the submissions does not count toward it. Last evaluated 2025-12-09.

Conditions:
RFT1-congenital disorder of glycosylation (CDG1N). Also called: Congenital disorder of glycosylation type In; CDG In; RFT1-CDG. Identifiers: Orphanet 244310, MedGen C2677590, MONDO:0012783, OMIM 612015.

Allele frequency attached by ClinVar (database versions not stated): ExAC 0.00002; gnomAD exomes 0.00002 and 0.00009; gnomAD 0.00003 and 0.00004; TOPMed 0.00004.
gnomAD v4.1: 137 of 1,614,108 alleles (0.0085%); highest among the groups gnomAD compares: Non-Finnish European, 0.011%; no homozygotes.

Submissions (4):

Labcorp Genetics (formerly Invitae), Labcorp
Classification: Pathogenic for RFT1-congenital disorder of glycosylation. Last evaluated: 2025-12-09. Review status: criteria provided, single submitter. Criteria: Invitae Variant Classification Sherloc (09022015). Collection method: clinical testing. Allele origin: germline.
Comment: This sequence change replaces arginine, which is basic and polar, with cysteine, which is neutral and slightly polar, at codon 67 of the RFT1 protein (p.Arg67Cys). This variant is present in population databases (rs118203913, gnomAD 0.01%). This missense change has been observed in individual(s) with congenital disorder of glycosylation (PMID: 18313027, 19267216, 30653653). ClinVar contains an entry for this variant (Variation ID: 785). Invitae Evidence Modeling of protein sequence and biophysical properties (such as structural, functional, and spatial information, amino acid conservation, physicochemical variation, residue mobility, and thermodynamic stability) indicates that this missense variant is expected to disrupt RFT1 protein function with a positive predictive value of 80%. Experimental studies have shown that this missense change affects RFT1 function (PMID: 18313027). For these reasons, this variant has been classified as Pathogenic.

3billion
Classification: Pathogenic for RFT1-congenital disorder of glycosylation. Last evaluated: 2025-02-27. Review status: criteria provided, single submitter. Criteria: ACMG Guidelines, 2015. Collection method: clinical testing. Allele origin: germline. Affected: yes.
Comment: The variant is observed at an extremely low frequency in the gnomAD v4.1.0 dataset (total allele frequency: 0.008%). Predicted Consequence/Location: Missense variant Functional studies provide strong evidence of the variant having a damaging effect on the gene or gene product (PMID: 18313027). In silico tool predictions suggest damaging effect of the variant on gene or gene product [REVEL: 0.77 (>=0.6, sensitivity 0.68 and specificity 0.92)]. The same nucleotide change resulting in the same amino acid change has been previously reported as pathogenic/likely pathogenic with strong evidence (ClinVar ID: VCV000000785 /PMID: 18313027). A different missense change at the same codon (p.Arg67His) has been reported to be associated with RFT1-related disorder (ClinVar ID: VCV000372948 /PMID: 31589614). Therefore, this variant is classified as Pathogenic according to the recommendation of ACMG/AMP guideline.

GeneDx
Classification: Likely pathogenic. Last evaluated: 2020-12-22. Review status: criteria provided, single submitter. Criteria: GeneDx Variant Classification Process June 2021. Collection method: clinical testing. Allele origin: germline. Affected: yes.
Comment: Published functional studies demonstrate a damaging effect (Haeuptle et al., 2008); Not observed at a significant frequency in large population cohorts (Lek et al., 2016); In silico analysis supports that this missense variant has a deleterious effect on protein structure/function; This variant is associated with the following publications: (PMID: 29923091, 21811164, 19701946, 18313027, 19267216, 23111317)

OMIM
Classification: Pathogenic for CONGENITAL DISORDER OF GLYCOSYLATION, TYPE In. Last evaluated: 2009-10-01. Review status: no assertion criteria provided. Collection method: literature only. Allele origin: germline. Not counted in ClinVar's aggregate classification.

Literature cited by the submitters: PubMed 18313027 (cited by 3 submitters); PubMed 19267216 (cited by Labcorp Genetics (formerly Invitae), Labcorp); PubMed 30653653 (cited by Labcorp Genetics (formerly Invitae), Labcorp); PubMed 31589614 (cited by 3billion); PubMed 19701946 (cited by OMIM).

NM_052859.4(RFT1):c.199C>T (p.Arg67Cys)

Gene: RFT1 (RFT1 glycolipid translocator homolog; minus strand). Cytogenetic location: 3p21.1.
Variant type: single nucleotide variant.
Coding change: c.199C>T on transcript NM_052859.4 (MANE Select); coding-DNA position 199, C replaced by T.
Protein change: p.Arg67Cys; replaces arginine 67 with cysteine.
Molecular consequence: missense variant.
Genome position (GRCh38, 1-based): chr3:53,123,791, G>A on the plus strand (C>T on the coding strand, the complement: RFT1 is on the minus strand). VCF-style: chr3-53123791-G-A. GRCh37 (hg19) VCF-style: chr3-53157807-G-A.
Other names: short protein forms R67C.
Identifiers: ClinVar variation 785 (VCV000000785.11), dbSNP rs118203913, ClinGen allele CA251606.